The following is an entry in ClinVar:

ClinVar aggregate classification (germline): Likely benign (3 of 4 stars; one submission).

Conditions:
Breast-ovarian cancer, familial, susceptibility to, 2 (BROVCA2). Also called: BRCA2 Hereditary Breast and Ovarian Cancer. Identifiers: Orphanet 145, MedGen C2675520, MONDO:0012933, OMIM 612555. Disease mechanism: loss of function.

Allele frequency attached by ClinVar (database versions not stated): gnomAD exomes below 0.00001; ExAC 0.00001.
gnomAD v4.1: 1 of 1,600,344 alleles (0.000062%); highest among the groups gnomAD compares: South Asian, 0.0011%; no homozygotes.

Submission:

Evidence-based Network for the Interpretation of Germline Mutant Alleles (ENIGMA)
Classification: Likely benign for Breast-ovarian cancer, familial, susceptibility to, 2. Last evaluated: 2017-06-29. Review status: reviewed by expert panel. Criteria: ENIGMA BRCA1/2 Classification Criteria (2017-06-29). Collection method: curation. Allele origin: germline.
Comment: Synonymous substitution variant, with low bioinformatic likelihood to result in a splicing aberration (Splicing prior probability 0.02).

NM_000059.4(BRCA2):c.6504A>C (p.Gly2168=)

Gene: BRCA2 (BRCA2 DNA repair associated; plus strand). Cytogenetic location: 13q13.1.
Variant type: single nucleotide variant.
Coding change: c.6504A>C on transcript NM_000059.4 (MANE Select); coding-DNA position 6504, A replaced by C.
Protein change: p.Gly2168=; no amino-acid change (glycine 2168 retained).
Molecular consequence: synonymous variant.
Genome position (GRCh38, 1-based): chr13:32,340,859, A>C. VCF-style: chr13-32340859-A-C. GRCh37 (hg19) VCF-style: chr13-32914996-A-C.
Identifiers: ClinVar variation 427450 (VCV000427450.3), dbSNP rs755877503, ClinGen allele CA6940965.
Genomic context (GRCh38, chr13:32,340,859, plus strand): 5'-TATTAAAGTTTCTCCATATCTCTCTCAATTTCAACAAGACAAACAACAGTTGGTATTAGG[A>C]ACCAAAGTGTCACTTGTTGAGAACATTCATGTTTTGGGAAAAGAACAGGCTTCACCTAAA-3'
Protein context (NP_000050.3, residues 2158-2178): FQQDKQQLVL[Gly2168=]TKVSLVENIH